The following is an entry in ClinVar:

NM_006059.4(LAMC3):c.83_88delinsAC (p.Gly28fs)

Gene: LAMC3 (laminin subunit gamma 3; plus strand). Cytogenetic location: 9q34.12.
Variant type: Indel.
Coding change: c.83_88delinsAC on transcript NM_006059.4 (MANE Select); coding-DNA positions 83 to 88, GCGCAG replaced by AC.
Protein change: p.Gly28fs; shifts the reading frame from glycine 28.
Molecular consequence: frameshift variant.
Genome position (GRCh38, 1-based): chr9:131,009,297-131,009,302, GCGCAG replaced by AC. VCF-style: chr9-131009297-GCGCAG-AC. GRCh37 (hg19) VCF-style: chr9-133884684-GCGCAG-AC.
Other names: short protein forms G28fs.
Identifiers: ClinVar variation 5019591 (VCV005019591.2).
Genomic context (GRCh38, chr9:131,009,297, plus strand): 5'-TGGGGCTGGCGCTGCTGGCACCGCGGGCGGCCGGCGCGGGCATGGGCGCGTGCTATGACG[GCGCAG>AC]GGCGCCCGCAGCGCTGCCTGCCGGTGTTCGAGAACGCGGCGTTTGGGCGGCTCGCCCAGG-3'

ClinVar aggregate classification (germline): Likely pathogenic (1 of 4 stars; one submission).

Conditions:
Occipital pachygyria and polymicrogyria. Identifiers: Orphanet 280640, MedGen C3279875, MONDO:0013583, OMIM 614115.

Submission:

Juno Genomics, Hangzhou Juno Genomics, Inc
Classification: Likely pathogenic for Occipital pachygyria and polymicrogyria. Review status: criteria provided, single submitter. Criteria: ACMG Guidelines, 2015. Collection method: clinical testing. Allele origin: germline.
Comment: Absent from controls (or at extremely low frequency if recessive) in Genome Aggregation Database.;Null variant in a gene where loss of function (LOF) is a known mechanism of disease.